The following is an entry in ClinVar:

NM_018010.4(IFT57):c.118del (p.Met40fs)

Gene: IFT57 (intraflagellar transport 57; minus strand). Cytogenetic location: 3q13.13.
Variant type: Deletion.
Coding change: c.118del on transcript NM_018010.4 (MANE Select); coding-DNA position 118, one base deleted (A; older notation c.118delA).
Protein change: p.Met40fs; shifts the reading frame from methionine 40.
Molecular consequence: frameshift variant.
Genome position (GRCh38, 1-based): chr3:108,222,205, T deleted on the plus strand (A on the coding strand, the reverse complement: IFT57 is on the minus strand). VCF-style (leftmost placement, unchanged base first): chr3-108222204-AT-A. GRCh37 (hg19) VCF-style: chr3-107941051-AT-A.
Other names: short protein forms M40fs.
Identifiers: ClinVar variation 2958512 (VCV002958512.3), dbSNP rs2107225860, ClinGen allele CA2577844121.

ClinVar aggregate classification (germline): Uncertain significance (1 of 4 stars; one submission).

Allele frequency attached by ClinVar (database versions not stated): gnomAD exomes below 0.00001.

Submission:

Labcorp Genetics (formerly Invitae), Labcorp
Classification: Uncertain significance. Last evaluated: 2024-01-12. Review status: criteria provided, single submitter. Criteria: Invitae Variant Classification Sherloc (09022015). Collection method: clinical testing. Allele origin: germline.
Comment: This sequence change creates a premature translational stop signal (p.Met40Cysfs*4) in the IFT57 gene. It is expected to result in an absent or disrupted protein product. However, the current clinical and genetic evidence is not sufficient to establish whether loss-of-function variants in IFT57 cause disease. This variant is not present in population databases (gnomAD no frequency). This variant has not been reported in the literature in individuals affected with IFT57-related conditions. In summary, the available evidence is currently insufficient to determine the role of this variant in disease. Therefore, it has been classified as a Variant of Uncertain Significance.